The following is an entry in ClinVar:

NM_000069.3(CACNA1S):c.905A>G (p.Asn302Ser)

Gene: CACNA1S (calcium voltage-gated channel subunit alpha1 S; minus strand). Cytogenetic location: 1q32.1.
Variant type: single nucleotide variant.
Coding change: c.905A>G on transcript NM_000069.3 (MANE Select); coding-DNA position 905, A replaced by G.
Protein change: p.Asn302Ser; replaces asparagine 302 with serine.
Molecular consequence: missense variant.
Genome position (GRCh38, 1-based): chr1:201,087,925, T>C on the plus strand (A>G on the coding strand, the complement: CACNA1S is on the minus strand). VCF-style: chr1-201087925-T-C. GRCh37 (hg19) VCF-style: chr1-201057053-T-C.
Other names: short protein forms N302S.
Identifiers: ClinVar variation 1010689 (VCV001010689.10), dbSNP rs765889961, ClinGen allele CA084058.

ClinVar aggregate classification (germline): Conflicting classifications of pathogenicity. Review status: criteria provided, conflicting classifications (1 of 4 stars). 2 submissions from 2 submitters: Uncertain significance (1); Likely benign (1). Last evaluated 2024-09-23.

Conditions:
Malignant hyperthermia, susceptibility to, 5 (MHS5). Also called: CACNA1S-Related Malignant Hyperthermia Susceptibility. Identifiers: Orphanet 423, MedGen C1866077, MONDO:0011163, OMIM 601887.
Hypokalemic periodic paralysis, type 1. Also called: HypoPP; Hypokalemic Periodic Paralysis Type 1 (AD). Identifiers: Orphanet 681, MedGen C3714580, MONDO:0042979, OMIM 170400.

Allele frequency attached by ClinVar (database versions not stated): gnomAD exomes below 0.00001; ExAC 0.00001; gnomAD 0.00001; TOPMed 0.00002.
gnomAD v4.1: 5 of 1,607,766 alleles (0.00031%); highest among the groups gnomAD compares: African/African-American, 0.004%; no homozygotes.

Submissions (2):

All of Us Research Program, National Institutes of Health
Classification: Uncertain significance for Malignant hyperthermia, susceptibility to, 5. Last evaluated: 2024-09-23. Review status: criteria provided, single submitter. Criteria: ACMG Guidelines, 2015. Collection method: clinical testing. Allele origin: germline. Inheritance: Autosomal dominant inheritance. Observed: 1 variant allele, 1 heterozygote.
Comment: This study involves interpretation of variants in research participants for the purpose of population health screening. Participant phenotype was not available at the time of variant classification. Additional details can be found in publication PMID: 35346344, PMCID: PMC8962531

Labcorp Genetics (formerly Invitae), Labcorp
Classification: Likely benign for Hypokalemic periodic paralysis, type 1; Malignant hyperthermia, susceptibility to, 5. Last evaluated: 2022-02-05. Review status: criteria provided, single submitter. Criteria: Invitae Variant Classification Sherloc (09022015). Collection method: clinical testing. Allele origin: germline.